The following is an entry in ClinVar:

NM_002454.3(MTRR):c.1784A>G (p.His595Arg)

Gene: MTRR (5-methyltetrahydrofolate-homocysteine methyltransferase reductase; plus strand). Cytogenetic location: 5p15.31.
Variant type: single nucleotide variant.
Coding change: c.1784A>G on transcript NM_002454.3 (MANE Select); coding-DNA position 1784, A replaced by G.
Protein change: p.His595Arg; replaces histidine 595 with arginine.
Molecular consequence: missense variant. On other transcripts: non-coding transcript variant (14).
Genome position (GRCh38, 1-based): chr5:7,897,079, A>G. VCF-style: chr5-7897079-A-G. GRCh37 (hg19) VCF-style: chr5-7897192-A-G.
Other names: c.1784A>G, p.His595Arg (NM_001364440.2, NM_001364441.2, NM_001364442.2 and 1 more transcripts); short protein forms H595R.
Identifiers: ClinVar variation 2146326 (VCV002146326.1), dbSNP rs766836800, ClinGen allele CA3196074.

ClinVar aggregate classification (germline): Uncertain significance (1 of 4 stars; one submission).

Conditions:
Methylcobalamin deficiency type cblE (HMAE). Also called: HOMOCYSTINURIA-MEGALOBLASTIC ANEMIA, cblE COMPLEMENTATION TYPE; VITAMIN B12-RESPONSIVE HOMOCYSTINURIA, cblE TYPE; HOMOCYSTINURIA-MEGALOBLASTIC ANEMIA, cblE TYPE. Identifiers: Orphanet 2169, Orphanet 622, MedGen C1856057, MONDO:0009354, OMIM 236270.

Allele frequency attached by ClinVar (database versions not stated): gnomAD exomes below 0.00001; TOPMed below 0.00001; ExAC 0.00001; gnomAD 0.00001.
gnomAD v4.1: 11 of 1,614,042 alleles (0.00068%); highest among the groups gnomAD compares: East Asian, 0.0067%; no homozygotes.

Submission:

Labcorp Genetics (formerly Invitae), Labcorp
Classification: Uncertain significance for Methylcobalamin deficiency type cblE. Last evaluated: 2021-08-27. Review status: criteria provided, single submitter. Criteria: Invitae Variant Classification Sherloc (09022015). Collection method: clinical testing. Allele origin: germline.
Comment: This sequence change replaces histidine with arginine at codon 595 of the MTRR protein (p.His595Arg). The histidine residue is moderately conserved and there is a small physicochemical difference between histidine and arginine. This variant is present in population databases (rs766836800, ExAC 0.01%). This variant has not been reported in the literature in individuals affected with MTRR-related conditions. Algorithms developed to predict the effect of missense changes on protein structure and function output the following: SIFT: "Tolerated"; PolyPhen-2: "Benign"; Align-GVGD: "Class C0". The arginine amino acid residue is found in multiple mammalian species, which suggests that this missense change does not adversely affect protein function. In summary, the available evidence is currently insufficient to determine the role of this variant in disease. Therefore, it has been classified as a Variant of Uncertain Significance.